The following is an entry in ClinVar:

ClinVar aggregate classification (germline): Uncertain significance. Review status: criteria provided, multiple submitters, no conflicts (2 of 4 stars). 3 submissions from 3 submitters: Uncertain significance (3). Last evaluated 2022-09-12.

Conditions:
Inborn genetic diseases. Identifiers: MedGen C0950123, MeSH D030342.

Allele frequency attached by ClinVar (database versions not stated): ExAC 0.00002; gnomAD exomes 0.00002; gnomAD 0.00004; TOPMed 0.00005.
gnomAD v4.1: 43 of 1,614,014 alleles (0.0027%); highest among the groups gnomAD compares: African/African-American, 0.008%; no homozygotes.

Submissions (3):

GeneDx
Classification: Uncertain significance. Last evaluated: 2022-09-12. Review status: criteria provided, single submitter. Criteria: GeneDx Variant Classification Process June 2021. Collection method: clinical testing. Allele origin: germline. Affected: yes.
Comment: Not observed at significant frequency in large population cohorts (gnomAD); In silico analysis supports that this missense variant does not alter protein structure/function; Has not been previously published as pathogenic or benign to our knowledge

Ambry Genetics
Classification: Uncertain significance for Inborn genetic diseases. Last evaluated: 2022-06-03. Review status: criteria provided, single submitter. Criteria: Ambry Variant Classification Scheme 2023. Collection method: clinical testing. Allele origin: germline.

Labcorp Genetics (formerly Invitae), Labcorp
Classification: Uncertain significance. Last evaluated: 2021-08-27. Review status: criteria provided, single submitter. Criteria: Invitae Variant Classification Sherloc (09022015). Collection method: clinical testing. Allele origin: germline.
Comment: This sequence change replaces alanine with threonine at codon 152 of the OCLN protein (p.Ala152Thr). The alanine residue is moderately conserved and there is a small physicochemical difference between alanine and threonine. This variant is present in population databases (rs779726887, ExAC 0.003%). This variant has not been reported in the literature in individuals affected with OCLN-related conditions. Algorithms developed to predict the effect of missense changes on protein structure and function output the following: SIFT: "Tolerated"; PolyPhen-2: "Benign"; Align-GVGD: "Class C0". The threonine amino acid residue is found in multiple mammalian species, which suggests that this missense change does not adversely affect protein function. In summary, the available evidence is currently insufficient to determine the role of this variant in disease. Therefore, it has been classified as a Variant of Uncertain Significance.

NM_001205254.2(OCLN):c.454G>A (p.Ala152Thr)

Gene: OCLN (occludin; plus strand). Cytogenetic location: 5q13.2.
Variant type: single nucleotide variant.
Coding change: c.454G>A on transcript NM_001205254.2 (MANE Select); coding-DNA position 454, G replaced by A.
Protein change: p.Ala152Thr; replaces alanine 152 with threonine.
Molecular consequence: missense variant. On other transcripts: intron variant (1).
Genome position (GRCh38, 1-based): chr5:69,509,544, G>A. VCF-style: chr5-69509544-G-A. GRCh37 (hg19) VCF-style: chr5-68805371-G-A.
Other names: c.454G>A, p.Ala152Thr (NM_001410743.1, NM_001438048.1, NM_001438604.1 and 1 more transcripts); c.-24-4404G>A (NM_001205255.2); short protein forms A152T.
Identifiers: ClinVar variation 1479246 (VCV001479246.7), dbSNP rs779726887, ClinGen allele CA3294443.